The following is an entry in ClinVar:

NM_000179.3(MSH6):c.3062C>G (p.Ala1021Gly)

Gene: MSH6 (mutS homolog 6; plus strand). Cytogenetic location: 2p16.3.
Variant type: single nucleotide variant.
Coding change: c.3062C>G on transcript NM_000179.3 (MANE Select); coding-DNA position 3062, C replaced by G.
Protein change: p.Ala1021Gly; replaces alanine 1021 with glycine.
Molecular consequence: missense variant.
Genome position (GRCh38, 1-based): chr2:47,801,045, C>G. VCF-style: chr2-47801045-C-G. GRCh37 (hg19) VCF-style: chr2-48028184-C-G.
Other names: c.2672C>G, p.Ala891Gly (NM_001281492.2); c.2156C>G, p.Ala719Gly (NM_001281493.2, NM_001281494.2); short protein forms A1021G, A719G, A891G.
Identifiers: ClinVar variation 418722 (VCV000418722.27), dbSNP rs63750287, ClinGen allele CA070000.

ClinVar aggregate classification (germline): Conflicting classifications of pathogenicity. Review status: criteria provided, conflicting classifications (1 of 4 stars). 9 submissions from 9 submitters: Uncertain significance (7); Likely benign (2). Last evaluated 2025-10-09.

Conditions:
Hereditary cancer-predisposing syndrome. Also called: Hereditary neoplastic syndrome; Tumor predisposition; Neoplastic Syndromes, Hereditary; Hereditary Cancer Syndrome. Identifiers: Orphanet 140162, MedGen C0027672, MeSH D009386, MONDO:0015356.
Lynch syndrome. Identifiers: Orphanet 144, MedGen C4552100, MONDO:0005835. Disease mechanism: loss of function.
Hereditary nonpolyposis colorectal neoplasms. Identifiers: MedGen C0009405, MeSH D003123.
Lynch syndrome 5 (LYNCH5). Also called: Hereditary non-polyposis colorectal cancer, type 5; Colorectal cancer, hereditary nonpolyposis, type 5. Identifiers: Orphanet 144, MedGen C1833477, MONDO:0013710, OMIM 614350. Disease mechanism: loss of function.

Allele frequency attached by ClinVar (database versions not stated): gnomAD 0.00001; gnomAD exomes 0.00001; TOPMed 0.00001; ExAC 0.00002.
gnomAD v4.1: 17 of 1,595,222 alleles (0.0011%); highest among the groups gnomAD compares: Non-Finnish European, 0.0015%; no homozygotes.

Submissions (9):

Labcorp Genetics (formerly Invitae), Labcorp
Classification: Likely benign for Hereditary nonpolyposis colorectal neoplasms. Last evaluated: 2025-10-09. Review status: criteria provided, single submitter. Criteria: Invitae Variant Classification Sherloc (09022015). Collection method: clinical testing. Allele origin: germline.

Myriad Genetics, Inc.
Classification: Likely benign for Lynch syndrome 5. Last evaluated: 2025-02-18. Review status: criteria provided, single submitter. Criteria: Myriad Autosomal Dominant, Autosomal Recessive and X-Linked Classification Criteria (2023). Collection method: clinical testing. Allele origin: unknown.
Comment: This variant is considered likely benign. This variant is strongly associated with less severe personal and family histories of cancer, typical for individuals without pathogenic variants in this gene [PMID: 27363726].

All of Us Research Program, National Institutes of Health
Classification: Uncertain significance for Lynch syndrome. Last evaluated: 2024-05-14. Review status: criteria provided, single submitter. Criteria: ACMG Guidelines, 2015. Collection method: clinical testing. Allele origin: germline. Inheritance: Autosomal dominant inheritance. Observed: 4 variant alleles, 4 heterozygotes.
Comment: This missense variant replaces alanine with glycine at codon 1021 of the MSH6 protein. Computational prediction is inconclusive regarding the impact of this variant on protein structure and function (internally defined REVEL score threshold 0.5 < inconclusive < 0.7, PMID: 27666373). Splice site prediction tools suggest that this variant may not impact RNA splicing. To our knowledge, functional studies have not been performed for this variant. This variant has not been reported in individuals affected with hereditary cancer in the literature. This variant has been identified in 3/268774 chromosomes in the general population by the Genome Aggregation Database (gnomAD). The available evidence is insufficient to determine the role of this variant in disease conclusively. Therefore, this variant is classified as a Variant of Uncertain Significance.

This study involves interpretation of variants in research participants for the purpose of population health screening. Participant phenotype was not available at the time of variant classification. Additional details can be found in publication PMID: 35346344, PMCID: PMC8962531

Color Diagnostics, LLC DBA Color Health
Classification: Uncertain significance for Hereditary cancer-predisposing syndrome. Last evaluated: 2024-04-25. Review status: criteria provided, single submitter. Criteria: ACMG Guidelines, 2015. Collection method: clinical testing. Allele origin: germline.
Comment: This missense variant replaces alanine with glycine at codon 1021 of the MSH6 protein. Computational prediction is inconclusive regarding the impact of this variant on protein structure and function (internally defined REVEL score threshold 0.5 < inconclusive < 0.7, PMID: 27666373). To our knowledge, functional studies have not been reported for this variant. This variant has not been reported in individuals affected with MSH6-related disorders in the literature. This variant has been identified in 3/268774 chromosomes in the general population by the Genome Aggregation Database (gnomAD). The available evidence is insufficient to determine the role of this variant in disease conclusively. Therefore, this variant is classified as a Variant of Uncertain Significance.

Ambry Genetics
Classification: Uncertain significance for Hereditary cancer-predisposing syndrome. Last evaluated: 2024-04-02. Review status: criteria provided, single submitter. Criteria: Ambry Variant Classification Scheme 2023. Collection method: clinical testing. Allele origin: germline.
Comment: The p.A1021G variant (also known as c.3062C>G), located in coding exon 4 of the MSH6 gene, results from a C to G substitution at nucleotide position 3062. The alanine at codon 1021 is replaced by glycine, an amino acid with similar properties. This amino acid position is well conserved in available vertebrate species. In addition, the in silico prediction for this alteration is inconclusive. Since supporting evidence is limited at this time, the clinical significance of this alteration remains unclear.

GeneDx
Classification: Uncertain significance. Last evaluated: 2024-02-21. Review status: criteria provided, single submitter. Criteria: GeneDx Variant Classification Process June 2021. Collection method: clinical testing. Allele origin: germline. Affected: yes.
Comment: Not observed at significant frequency in large population cohorts (gnomAD); In silico analysis supports that this missense variant has a deleterious effect on protein structure/function; Observed in individuals with breast cancer but also in unaffected controls (PMID: 33471991); This variant is associated with the following publications: (PMID: 25078279, 17531815, 21120944, 33471991)

Department of Pathology and Laboratory Medicine, Sinai Health System
Classification: Uncertain significance for Lynch syndrome. Last evaluated: 2023-03-03. Review status: criteria provided, single submitter. Criteria: ACMG Guidelines, 2015. Collection method: clinical testing. Allele origin: germline. Affected: yes.

Sema4
Classification: Uncertain significance for Hereditary cancer-predisposing syndrome. Last evaluated: 2021-05-28. Review status: criteria provided, single submitter. Criteria: Sema4 Curation Guidelines. Collection method: curation. Allele origin: germline.
Comment: To the best of our knowledge, the MSH6 c.3062C>G (p.A1021G) variant has not been reported in individuals with Lynch syndrome-related disease. It has been observed somatically in a glioblastoma and in the germline of one individual with breast cancer and one healthy control (PMID: 25078279, 33471991). It was observed in 3/124176 chromosomes of the Non-Finnish European subpopulation in the large and broad cohorts of the Genome Aggregation Database. The variant has been reported in ClinVar (Variation ID 418722). In silico tools suggest the impact of the variant on protein function is inconclusive, though these predictions have not been confirmed by functional studies. The evidence is insufficient to meet ACMG/AMP criteria for classifying the variant as benign or pathogenic. Thus, the clinical significance of this variant is currently uncertain.

Quest Diagnostics Nichols Institute San Juan Capistrano
Classification: Uncertain significance. Last evaluated: 2017-05-05. Review status: criteria provided, single submitter. Criteria: Quest Diagnostics criteria. Collection method: clinical testing. Allele origin: germline.

Literature cited by the submitters: PubMed 27363726 (cited by Myriad Genetics, Inc.); PubMed 25078279 (cited by 3 submitters); PubMed 33471991 (cited by Sema4).